The following is an entry in ClinVar:

ClinVar aggregate classification (germline): Uncertain significance (1 of 4 stars; one submission).

Conditions:
Primary dilated cardiomyopathy (DCM). Also called: Dilated Cardiomyopathy. Identifiers: Orphanet 217604, MedGen C0007193, MeSH D002311, MONDO:0005021, HP:0001644. Inheritance: Various modes of inheritance.

Submission:

Labcorp Genetics (formerly Invitae), Labcorp
Classification: Uncertain significance for Primary dilated cardiomyopathy. Last evaluated: 2024-05-16. Review status: criteria provided, single submitter. Criteria: Invitae Variant Classification Sherloc (09022015). Collection method: clinical testing. Allele origin: germline.
Comment: This sequence change replaces glutamine, which is neutral and polar, with leucine, which is neutral and non-polar, at codon 161 of the FHL2 protein (p.Gln161Leu). This variant is not present in population databases (gnomAD no frequency). This variant has not been reported in the literature in individuals affected with FHL2-related conditions. Advanced modeling of protein sequence and biophysical properties (such as structural, functional, and spatial information, amino acid conservation, physicochemical variation, residue mobility, and thermodynamic stability) performed at Invitae indicates that this missense variant is not expected to disrupt FHL2 protein function with a negative predictive value of 80%. In summary, the available evidence is currently insufficient to determine the role of this variant in disease. Therefore, it has been classified as a Variant of Uncertain Significance.

NM_001318895.3(FHL2):c.482A>T (p.Gln161Leu)

Genes: C2orf49 (chromosome 2 open reading frame 49; plus strand), FHL2 (four and a half LIM domains 2; minus strand). Cytogenetic location: 2q12.2.
Variant type: single nucleotide variant.
Coding change: c.482A>T on transcript NM_001318895.3 (MANE Select); coding-DNA position 482, A replaced by T.
Protein change: p.Gln161Leu; replaces glutamine 161 with leucine.
Molecular consequence: missense variant.
Genome position (GRCh38, 1-based): chr2:105,367,589, T>A on the plus strand (A>T on the coding strand, the complement: FHL2 is on the minus strand). VCF-style: chr2-105367589-T-A. GRCh37 (hg19) VCF-style: chr2-105984046-T-A.
Other names: c.140A>T, p.Gln47Leu (NM_001318898.2, NM_001318897.2); c.158A>T, p.Gln53Leu (NM_001318899.2); c.482A>T, p.Gln161Leu (NM_001374399.1, NM_201557.5, NM_001450.4 and 4 more transcripts); short protein forms Q47L, Q53L, Q161L.
Identifiers: ClinVar variation 3672668 (VCV003672668.2).
Genomic context (GRCh38, chr2:105,367,589, plus strand): 5'-CCAGCCAGAACGTGCAAGGGCCAAGGGGGCATCTGAGATACCTTTTTGCACTGAACGCAC[T>A]GCATGGCATGTTGTTTCTCATAGCAGGGCACACAGAAATTCTGATTGTCTTTGGGGATGA-3'
Protein context (NP_001305824.1, residues 151-171): VPCYEKQHAM[Gln161Leu]CVQCKKPITT